The following is an entry in ClinVar:

ClinVar aggregate classification (germline): Uncertain significance. Review status: criteria provided, multiple submitters, no conflicts (2 of 4 stars). 3 submissions from 3 submitters: Uncertain significance (3). Last evaluated 2024-12-17.

Conditions:
Autoinflammation-PLCG2-associated antibody deficiency-immune dysregulation. Also called: Autoinflammation, antibody deficiency, and immune dysregulation, plcg2-associated; Autoinflammation, antibody deficiency, and immune dysregulation syndrome; AUTOINFLAMMATION, ANTIBODY DEFICIENCY, AND IMMUNE DYSREGULATION. Identifiers: Orphanet 324530, MedGen C3553961, MONDO:0013944, OMIM 614878.
Familial cold autoinflammatory syndrome 3 (FCAS3). Also called: FAMILIAL ATYPICAL COLD URTICARIA; ANTIBODY DEFICIENCY AND IMMUNE DYSREGULATION, PLCG2-ASSOCIATED. Identifiers: Orphanet 300359, MedGen C3280914, MONDO:0013766, OMIM 614468.

Allele frequency attached by ClinVar (database versions not stated): ExAC 0.00001; TOPMed 0.00001; gnomAD exomes 0.00002 and 0.00003; gnomAD 0.00003.
gnomAD v4.1: 52 of 1,601,704 alleles (0.0032%); highest among the groups gnomAD compares: Non-Finnish European, 0.0044%; no homozygotes.

Submissions (3):

Labcorp Genetics (formerly Invitae), Labcorp
Classification: Uncertain significance for Familial cold autoinflammatory syndrome 3. Last evaluated: 2024-12-17. Review status: criteria provided, single submitter. Criteria: Invitae Variant Classification Sherloc (09022015). Collection method: clinical testing. Allele origin: germline.
Comment: This sequence change replaces glutamic acid, which is acidic and polar, with glycine, which is neutral and non-polar, at codon 841 of the PLCG2 protein (p.Glu841Gly). This variant is present in population databases (rs756855626, gnomAD 0.005%). This variant has not been reported in the literature in individuals affected with PLCG2-related conditions. ClinVar contains an entry for this variant (Variation ID: 540104). An algorithm developed to predict the effect of missense changes on protein structure and function (PolyPhen-2) suggests that this variant is likely to be disruptive. In summary, the available evidence is currently insufficient to determine the role of this variant in disease. Therefore, it has been classified as a Variant of Uncertain Significance.

Blueprint Genetics
Classification: Uncertain significance. Last evaluated: 2024-10-21. Review status: criteria provided, single submitter. Criteria: ACMG Guidelines, 2015. Collection method: clinical testing. Allele origin: germline.

Fulgent Genetics
Classification: Uncertain significance for Familial cold autoinflammatory syndrome 3; Autoinflammation-PLCG2-associated antibody deficiency-immune dysregulation. Last evaluated: 2022-02-17. Review status: criteria provided, single submitter. Criteria: ACMG Guidelines, 2015. Collection method: clinical testing. Allele origin: unknown.

NM_002661.5(PLCG2):c.2522A>G (p.Glu841Gly)

Gene: PLCG2 (phospholipase C gamma 2; plus strand). Cytogenetic location: 16q23.3.
Variant type: single nucleotide variant.
Coding change: c.2522A>G on transcript NM_002661.5 (MANE Select); coding-DNA position 2522, A replaced by G.
Protein change: p.Glu841Gly; replaces glutamic acid 841 with glycine.
Molecular consequence: missense variant.
Genome position (GRCh38, 1-based): chr16:81,928,565, A>G. VCF-style: chr16-81928565-A-G. GRCh37 (hg19) VCF-style: chr16-81962170-A-G.
Other names: short protein forms E841G.
Identifiers: ClinVar variation 540104 (VCV000540104.13), dbSNP rs756855626, ClinGen allele CA8194337.